The following is an entry in ClinVar:

ClinVar aggregate classification (germline): Uncertain significance (1 of 4 stars; one submission).

Conditions:
Brugada syndrome. Also called: Sudden Unexplained Death Syndrome; Sudden Unexplained Nocturnal Death Syndrome (SUNDS); Sudden unexpected nocturnal death syndrome; Sudden unexplained nocturnal death syndrome. Identifiers: Orphanet 130, MedGen C1142166, MONDO:0015263.

Submission:

Labcorp Genetics (formerly Invitae), Labcorp
Classification: Uncertain significance for Brugada syndrome. Last evaluated: 2023-02-14. Review status: criteria provided, single submitter. Criteria: Invitae Variant Classification Sherloc (09022015). Collection method: clinical testing. Allele origin: germline.
Comment: This sequence change replaces glycine, which is neutral and non-polar, with alanine, which is neutral and non-polar, at codon 980 of the CACNA2D1 protein (p.Gly980Ala). In summary, the available evidence is currently insufficient to determine the role of this variant in disease. Therefore, it has been classified as a Variant of Uncertain Significance. Algorithms developed to predict the effect of missense changes on protein structure and function are either unavailable or do not agree on the potential impact of this missense change (SIFT: "Tolerated"; PolyPhen-2: "Possibly Damaging"; Align-GVGD: "Class C0"). This variant has not been reported in the literature in individuals affected with CACNA2D1-related conditions. This variant is not present in population databases (gnomAD no frequency).

NM_000722.4(CACNA2D1):c.2939G>C (p.Gly980Ala)

Gene: CACNA2D1 (calcium voltage-gated channel auxiliary subunit alpha2delta 1; minus strand). Cytogenetic location: 7q21.11.
Variant type: single nucleotide variant.
Coding change: c.2939G>C on transcript NM_000722.4 (MANE Select); coding-DNA position 2939, G replaced by C.
Protein change: p.Gly980Ala; replaces glycine 980 with alanine.
Molecular consequence: missense variant.
Genome position (GRCh38, 1-based): chr7:81,961,921, C>G on the plus strand (G>C on the coding strand, the complement: CACNA2D1 is on the minus strand). VCF-style: chr7-81961921-C-G. GRCh37 (hg19) VCF-style: chr7-81591237-C-G.
Other names: c.2975G>C, p.Gly992Ala (NM_001366867.1); short protein forms G980A, G992A.
Identifiers: ClinVar variation 2837337 (VCV002837337.3), dbSNP rs1173558405, ClinGen allele CA367882004.